The following is an entry in ClinVar:

ClinVar aggregate classification (germline): Uncertain significance (1 of 4 stars; one submission).

Allele frequency attached by ClinVar (database versions not stated): ExAC 0.00001; gnomAD exomes 0.00001.

Submission:

Labcorp Genetics (formerly Invitae), Labcorp
Classification: Uncertain significance. Last evaluated: 2024-12-16. Review status: criteria provided, single submitter. Criteria: Invitae Variant Classification Sherloc (09022015). Collection method: clinical testing. Allele origin: germline.
Comment: This sequence change replaces valine, which is neutral and non-polar, with methionine, which is neutral and non-polar, at codon 542 of the DSCAML1 protein (p.Val542Met). This variant is present in population databases (rs753446837, gnomAD 0.003%). This variant has not been reported in the literature in individuals affected with DSCAML1-related conditions. ClinVar contains an entry for this variant (Variation ID: 2780108). An algorithm developed to predict the effect of missense changes on protein structure and function (PolyPhen-2) suggests that this variant is likely to be disruptive. In summary, the available evidence is currently insufficient to determine the role of this variant in disease. Therefore, it has been classified as a Variant of Uncertain Significance.

NM_020693.4(DSCAML1):c.1444G>A (p.Val482Met)

Gene: DSCAML1 (DS cell adhesion molecule like 1; minus strand). Cytogenetic location: 11q23.3.
Variant type: single nucleotide variant.
Coding change: c.1444G>A on transcript NM_020693.4 (MANE Select); coding-DNA position 1444, G replaced by A.
Protein change: p.Val482Met; replaces valine 482 with methionine.
Molecular consequence: missense variant.
Genome position (GRCh38, 1-based): chr11:117,518,532, C>T on the plus strand (G>A on the coding strand, the complement: DSCAML1 is on the minus strand). VCF-style: chr11-117518532-C-T. GRCh37 (hg19) VCF-style: chr11-117389247-C-T.
Other names: c.1444G>A, p.Val482Met (NM_001367904.1); c.1036G>A, p.Val346Met (NM_001367905.1); short protein forms V346M, V482M.
Identifiers: ClinVar variation 2780108 (VCV002780108.3), dbSNP rs753446837, ClinGen allele CA6297259.